The following is an entry in ClinVar:

ClinVar aggregate classification (germline): Uncertain significance (1 of 4 stars; one submission).

Conditions:
Arrhythmogenic right ventricular dysplasia 13. Also called: ARRHYTHMOGENIC RIGHT VENTRICULAR CARDIOMYOPATHY 13; Arrhythmogenic right ventricular dysplasia, familial, 13. Identifiers: MedGen C3810138, MONDO:0000908, OMIM 615616.

Submission:

Labcorp Genetics (formerly Invitae), Labcorp
Classification: Uncertain significance for Arrhythmogenic right ventricular dysplasia 13. Last evaluated: 2022-06-08. Review status: criteria provided, single submitter. Criteria: Invitae Variant Classification Sherloc (09022015). Collection method: clinical testing. Allele origin: germline.
Comment: This sequence change replaces serine, which is neutral and polar, with glycine, which is neutral and non-polar, at codon 98 of the CTNNA3 protein (p.Ser98Gly). This variant is not present in population databases (gnomAD no frequency). This variant has not been reported in the literature in individuals affected with CTNNA3-related conditions. Algorithms developed to predict the effect of missense changes on protein structure and function (SIFT, PolyPhen-2, Align-GVGD) all suggest that this variant is likely to be tolerated. In summary, the available evidence is currently insufficient to determine the role of this variant in disease. Therefore, it has been classified as a Variant of Uncertain Significance.

NM_013266.4(CTNNA3):c.292A>G (p.Ser98Gly)

Gene: CTNNA3 (catenin alpha 3; minus strand). Cytogenetic location: 10q21.3.
Variant type: single nucleotide variant.
Coding change: c.292A>G on transcript NM_013266.4 (MANE Select); coding-DNA position 292, A replaced by G.
Protein change: p.Ser98Gly; replaces serine 98 with glycine.
Molecular consequence: missense variant.
Genome position (GRCh38, 1-based): chr10:67,606,857, T>C on the plus strand (A>G on the coding strand, the complement: CTNNA3 is on the minus strand). VCF-style: chr10-67606857-T-C. GRCh37 (hg19) VCF-style: chr10-69366615-T-C.
Other names: c.292A>G, p.Ser98Gly (NM_001127384.3); c.328A>G, p.Ser110Gly (NM_001291133.2); short protein forms S110G, S98G.
Identifiers: ClinVar variation 2002748 (VCV002002748.4), dbSNP rs2492217246, ClinGen allele CA377098070.